The following is an entry in ClinVar:

ClinVar aggregate classification (germline): Conflicting classifications of pathogenicity. Review status: criteria provided, conflicting classifications (1 of 4 stars). 3 submissions from 3 submitters: Uncertain significance (2); Likely benign (1). Last evaluated 2024-02-19.

Conditions:
Hereditary cancer-predisposing syndrome. Also called: Tumor predisposition; Hereditary Cancer Syndrome; Hereditary neoplastic syndrome; Neoplastic Syndromes, Hereditary. Identifiers: Orphanet 140162, MedGen C0027672, MeSH D009386, MONDO:0015356.
Hereditary breast ovarian cancer syndrome. Also called: Hereditary breast and ovarian cancer syndrome (HBOC); Hereditary breast and/or ovarian cancer syndrome; Hereditary breast and ovarian cancer syndrome; Breast and ovarian cancer; BRCA1- and BRCA2-Associated Hereditary Breast and Ovarian Cancer; Hereditary breast and ovarian cancer. Identifiers: Orphanet 145, MedGen C0677776, MeSH D061325, MONDO:0003582. Disease mechanism: loss of function.

Allele frequency attached by ClinVar (database versions not stated): gnomAD exomes below 0.00001; ExAC 0.00001.
gnomAD v4.1: 1 of 1,607,020 alleles (0.000062%); highest among the groups gnomAD compares: Non-Finnish European, 0.000085%; no homozygotes.

Submissions (3):

Ambry Genetics
Classification: Uncertain significance for Hereditary cancer-predisposing syndrome. Last evaluated: 2024-02-19. Review status: criteria provided, single submitter. Criteria: Ambry Variant Classification Scheme 2023. Collection method: clinical testing. Allele origin: germline.
Comment: The p.T1858A variant (also known as c.5572A>G), located in coding exon 10 of the BRCA2 gene, results from an A to G substitution at nucleotide position 5572. The threonine at codon 1858 is replaced by alanine, an amino acid with similar properties. This variant was identified in 1 of 79 Southern Mediterranean individuals with breast cancer (Belaiba F et al. Asian Pac J Cancer Prev, 2018 Oct;19:2963-2972). This amino acid position is not well conserved in available vertebrate species. In addition, this alteration is predicted to be tolerated by in silico analysis. Based on the available evidence, the clinical significance of this alteration remains unclear.

University of Washington Department of Laboratory Medicine, University of Washington
Classification: Likely benign for Hereditary cancer-predisposing syndrome. Last evaluated: 2023-03-23. Review status: criteria provided, single submitter. Criteria: Dines et al. (Genet Med. 2020). Collection method: curation. Allele origin: germline.
Comment: Missense variant in a coldspot region where missense variants are very unlikely to be pathogenic (PMID:31911673).

BRCA2 exon 11 coldspot. Reclassification based on statistical prior probability.

Labcorp Genetics (formerly Invitae), Labcorp
Classification: Uncertain significance for Hereditary breast ovarian cancer syndrome. Last evaluated: 2022-05-22. Review status: criteria provided, single submitter. Criteria: Invitae Variant Classification Sherloc (09022015). Collection method: clinical testing. Allele origin: germline.
Comment: In summary, the available evidence is currently insufficient to determine the role of this variant in disease. Therefore, it has been classified as a Variant of Uncertain Significance. Advanced modeling of protein sequence and biophysical properties (such as structural, functional, and spatial information, amino acid conservation, physicochemical variation, residue mobility, and thermodynamic stability) performed at Invitae indicates that this missense variant is not expected to disrupt BRCA2 protein function. This missense change has been observed in individual(s) with breast cancer (PMID: 30362333). This variant is present in population databases (rs779878000, gnomAD 0.0009%). This sequence change replaces threonine, which is neutral and polar, with alanine, which is neutral and non-polar, at codon 1858 of the BRCA2 protein (p.Thr1858Ala).

Literature cited by the submitters: PubMed 30362333 (cited by Ambry Genetics and Labcorp Genetics (formerly Invitae), Labcorp).

NM_000059.4(BRCA2):c.5572A>G (p.Thr1858Ala)

Gene: BRCA2 (BRCA2 DNA repair associated; plus strand). Cytogenetic location: 13q13.1.
Variant type: single nucleotide variant.
Coding change: c.5572A>G on transcript NM_000059.4 (MANE Select); coding-DNA position 5572, A replaced by G.
Protein change: p.Thr1858Ala; replaces threonine 1858 with alanine.
Molecular consequence: missense variant.
Genome position (GRCh38, 1-based): chr13:32,339,927, A>G. VCF-style: chr13-32339927-A-G. GRCh37 (hg19) VCF-style: chr13-32914064-A-G.
Other names: c.5572A>G, p.Thr1858Ala (NM_001406719.1, NM_001406720.1); short protein forms T1858A.
Identifiers: ClinVar variation 1968882 (VCV001968882.8), dbSNP rs779878000, ClinGen allele CA6940887.